The following is an entry in ClinVar:

ClinVar aggregate classification (germline): Pathogenic. Review status: criteria provided, multiple submitters, no conflicts (2 of 4 stars). 4 submissions from 4 submitters: Pathogenic (3). 1 of the submissions does not count toward it. Last evaluated 2023-10-25.

Conditions:
Familial thoracic aortic aneurysm and aortic dissection (TAAD). Also called: Thoracic aortic aneurysms and dissections. Identifiers: Orphanet 91387, MedGen C4707243, MONDO:0019625.
Marfan syndrome (MFS). Also called: Marfan syndrome type 1; Marfan syndrome, classic; Marfan's syndrome; FBN1-Related Marfan Syndrome; MARFAN SYNDROME, TYPE I. Identifiers: Orphanet 284963, Orphanet 558, MedGen C0024796, MONDO:0007947, OMIM 154700.

Submissions (4):

Laboratory of Medical Genetics, National & Kapodistrian University of Athens
Classification: Pathogenic for Marfan syndrome. Last evaluated: 2023-10-25. Review status: criteria provided, single submitter. Criteria: ACMG Guidelines, 2015. Collection method: clinical testing. Allele origin: germline. Affected: yes.
Comment: PVS1, PS4, PM2, PP5 - The variant has been reported in ClinVar as Pathogenic by other laboratories (Variation ID 12525). This variant has been previously reported as causative for Loeys-Dietz syndrome. (PMID:30219046).

Institute of Human Genetics, University Medical Center Hamburg-Eppendorf
Classification: Pathogenic for Marfan syndrome. Last evaluated: 2018-11-20. Review status: criteria provided, single submitter. Criteria: ACMG Guidelines, 2015. Collection method: clinical testing. Allele origin: unknown. Inheritance: Autosomal dominant inheritance. Affected: yes.

Labcorp Genetics (formerly Invitae), Labcorp
Classification: Pathogenic for Marfan syndrome; Familial thoracic aortic aneurysm and aortic dissection. Last evaluated: 2017-08-13. Review status: criteria provided, single submitter. Criteria: Invitae Variant Classification Sherloc (09022015). Collection method: clinical testing. Allele origin: germline.
Comment: Loss-of-function variants in FBN1 are known to be pathogenic (PMID: 17657824, 19293843). For these reasons, this variant has been classified as Pathogenic. A different variant (c.3012C>G) giving rise to the same protein effect observed here (p.Tyr1004*) has been reported in an individual affected with a FBN1-related disease (PMID: 24793577). Algorithms developed to predict the effect of sequence changes on RNA splicing suggest that this variant may create or strengthen a splice site, but this prediction has not been confirmed by published transcriptional studies. This variant has been reported in the literature in an individuals affected with a FBN1-related disease (PMID: 25652356). This variant is not present in population databases (ExAC no frequency). This sequence change creates a premature translational stop signal (p.Tyr1004*) in the FBN1 gene. It is expected to result in an absent or disrupted protein product.

Center for Medical Genetics Ghent, University of Ghent
Classification: Pathogenic for Marfan syndrome. Last evaluated: 2017-11-07. Review status: no assertion criteria provided. Collection method: clinical testing. Allele origin: de novo. Affected: yes. Not counted in ClinVar's aggregate classification.

Literature cited by the submitters: PubMed 30675029 (cited by Institute of Human Genetics, University Medical Center Hamburg-Eppendorf); PubMed 17657824 (cited by Labcorp Genetics (formerly Invitae), Labcorp); PubMed 19293843 (cited by Labcorp Genetics (formerly Invitae), Labcorp); PubMed 24793577 (cited by Labcorp Genetics (formerly Invitae), Labcorp); PubMed 25652356 (cited by Labcorp Genetics (formerly Invitae), Labcorp).

NM_000138.5(FBN1):c.3012C>A (p.Tyr1004Ter)

Gene: FBN1 (fibrillin 1; minus strand). Cytogenetic location: 15q21.1.
Variant type: single nucleotide variant.
Coding change: c.3012C>A on transcript NM_000138.5 (MANE Select); coding-DNA position 3012, C replaced by A.
Protein change: p.Tyr1004Ter; replaces tyrosine 1004 with a stop codon.
Molecular consequence: nonsense.
Genome position (GRCh38, 1-based): chr15:48,489,921, G>T on the plus strand (C>A on the coding strand, the complement: FBN1 is on the minus strand). VCF-style: chr15-48489921-G-T. GRCh37 (hg19) VCF-style: chr15-48782118-G-T.
Other names: short protein forms Y1004*.
Identifiers: ClinVar variation 527177 (VCV000527177.9), dbSNP rs397515784, ClinGen allele CA392329038.
Genomic context (GRCh38, chr15:48,489,921, plus strand): 5'-AGGCTTTCCATTTGTAATTTCTTTTGTGGCAAATCCGGGTCCTCTCGGACACAGCTCCTC[G>T]TACTCAGGAGTATTTCTCATGGGACACTCCTCGCATTCCTCAGTACCCCAGGCTGCCCCG-3'